The following is an entry in ClinVar:

ClinVar aggregate classification (germline): Uncertain significance. Review status: criteria provided, multiple submitters, no conflicts (2 of 4 stars). 3 submissions from 3 submitters: Uncertain significance (3). Last evaluated 2026-03-12.

Conditions:
Hereditary cancer-predisposing syndrome. Also called: Neoplastic Syndromes, Hereditary; Hereditary neoplastic syndrome; Tumor predisposition; Hereditary Cancer Syndrome. Identifiers: Orphanet 140162, MedGen C0027672, MeSH D009386, MONDO:0015356.
Neuroblastoma, susceptibility to, 3. Also called: ALK-Related Neuroblastic Tumor Susceptibility. Identifiers: Orphanet 635, MedGen C2751681, MONDO:0013083, OMIM 613014.

Submissions (3):

Ambry Genetics
Classification: Uncertain significance for Hereditary cancer-predisposing syndrome. Last evaluated: 2026-03-12. Review status: criteria provided, single submitter. Criteria: Ambry Variant Classification Scheme 2023. Collection method: clinical testing. Allele origin: germline.

Labcorp Genetics (formerly Invitae), Labcorp
Classification: Uncertain significance for Neuroblastoma, susceptibility to, 3. Last evaluated: 2022-11-06. Review status: criteria provided, single submitter. Criteria: Invitae Variant Classification Sherloc (09022015). Collection method: clinical testing. Allele origin: germline.
Comment: In summary, the available evidence is currently insufficient to determine the role of this variant in disease. Therefore, it has been classified as a Variant of Uncertain Significance. Algorithms developed to predict the effect of missense changes on protein structure and function (SIFT, PolyPhen-2, Align-GVGD) all suggest that this variant is likely to be disruptive. ClinVar contains an entry for this variant (Variation ID: 665689). This variant has not been reported in the literature in individuals affected with ALK-related conditions. This variant is not present in population databases (gnomAD no frequency). This sequence change replaces alanine, which is neutral and non-polar, with valine, which is neutral and non-polar, at codon 1234 of the ALK protein (p.Ala1234Val).

Sema4
Classification: Uncertain significance for Hereditary cancer-predisposing syndrome. Last evaluated: 2021-11-03. Review status: criteria provided, single submitter. Criteria: Sema4 Curation Guidelines. Collection method: curation. Allele origin: germline.
Comment: The ALK c.3701C>T (p.A1234V) variant has not been reported as an inherited variant in the literature to our knowledge. It was not observed in the large and broad cohorts of the Genome Aggregation Database (PMID: 32461654). This variant has been reported in ClinVar (Variation ID 665689). In silico tools suggest the impact of the variant on protein function is deleterious, though these predictions have not been confirmed by functional studies. The evidence is insufficient to meet ACMG/AMP criteria for classifying the variant as benign or pathogenic. Thus, the clinical significance of this variant is currently uncertain.

NM_004304.5(ALK):c.3701C>T (p.Ala1234Val)

Gene: ALK (ALK receptor tyrosine kinase; minus strand). Cytogenetic location: 2p23.2.
Variant type: single nucleotide variant.
Coding change: c.3701C>T on transcript NM_004304.5 (MANE Select); coding-DNA position 3701, C replaced by T.
Protein change: p.Ala1234Val; replaces alanine 1234 with valine.
Molecular consequence: missense variant.
Genome position (GRCh38, 1-based): chr2:29,214,026, G>A on the plus strand (C>T on the coding strand, the complement: ALK is on the minus strand). VCF-style: chr2-29214026-G-A. GRCh37 (hg19) VCF-style: chr2-29436892-G-A.
Other names: c.497C>T, p.Ala166Val (NM_001353765.2); short protein forms A166V, A1234V.
Identifiers: ClinVar variation 665689 (VCV000665689.15), dbSNP rs1573108894, ClinGen allele CA346471387.
Genomic context (GRCh38, chr2:29,214,026, plus strand): 5'-ACAGTCACTTTGACTCACCGGTGGATGAAGTGGTTTTCCTCCAAATACTGACAGCCACAG[G>A]CAATGTCCCGAGCCACGTGCAGAAGGTCCAGCATGGCCAGGGAGGAGGGCTGGCTCTGTG-3'
Protein context (NP_004295.2, residues 1224-1244): LDLLHVARDI[Ala1234Val]CGCQYLEENH